The following is an entry in ClinVar:

ClinVar aggregate classification (germline): Pathogenic/Likely pathogenic. Review status: criteria provided, multiple submitters, no conflicts (2 of 4 stars). 2 submissions from 2 submitters: Pathogenic (1); Likely pathogenic (1). Last evaluated 2025-11-25.

Conditions:
MYO18B-related disorder. Also called: MYO18B-related condition.

Allele frequency attached by ClinVar (database versions not stated): gnomAD exomes 0.00002; ExAC 0.00006; TOPMed 0.00012; ESP Exome Variant Server 0.00016; gnomAD 0.00017.
gnomAD v4.1: 56 of 1,612,622 alleles (0.0035%); highest among the groups gnomAD compares: African/African-American, 0.055%; no homozygotes.

Submissions (2):

PreventionGenetics, part of Exact Sciences
Classification: Likely pathogenic for MYO18B-related condition. Last evaluated: 2025-11-25. Review status: criteria provided, single submitter. Criteria: ACMG Guidelines, 2015. Collection method: clinical testing. Allele origin: germline.
Comment: The MYO18B c.1982G>A variant is predicted to result in premature protein termination (p.Trp661*). This variant was reported in an individual with hearing loss, however second MYO18B variant was not detected and two CDH23 variants were also present (ID23, Table 2,Santos-Cortez et al. 2021). This variant is reported in 0.058% of alleles in individuals of African descent in gnomAD. Nonsense variants in MYO18B are expected to be pathogenic. This variant is interpreted as likely pathogenic.

Labcorp Genetics (formerly Invitae), Labcorp
Classification: Pathogenic. Last evaluated: 2022-06-28. Review status: criteria provided, single submitter. Criteria: Invitae Variant Classification Sherloc (09022015). Collection method: clinical testing. Allele origin: germline.
Comment: This sequence change creates a premature translational stop signal (p.Trp661*) in the MYO18B gene. It is expected to result in an absent or disrupted protein product. Loss-of-function variants in MYO18B are known to be pathogenic (PMID: 25748484, 32184166, 32637634). This variant is present in population databases (rs372939044, gnomAD 0.06%). This variant has not been reported in the literature in individuals affected with MYO18B-related conditions. For these reasons, this variant has been classified as Pathogenic.

Literature cited by the submitters: PubMed 25748484 (cited by Labcorp Genetics (formerly Invitae), Labcorp); PubMed 32184166 (cited by Labcorp Genetics (formerly Invitae), Labcorp); PubMed 32637634 (cited by Labcorp Genetics (formerly Invitae), Labcorp).

NM_032608.7(MYO18B):c.1982G>A (p.Trp661Ter)

Gene: MYO18B (myosin XVIIIB; plus strand). Cytogenetic location: 22q12.1.
Variant type: single nucleotide variant.
Coding change: c.1982G>A on transcript NM_032608.7 (MANE Select); coding-DNA position 1982, G replaced by A.
Protein change: p.Trp661Ter; replaces tryptophan 661 with a stop codon.
Molecular consequence: nonsense.
Genome position (GRCh38, 1-based): chr22:25,777,695, G>A. VCF-style: chr22-25777695-G-A. GRCh37 (hg19) VCF-style: chr22-26173662-G-A.
Other names: c.1982G>A, p.Trp661Ter (NM_001318245.2); c.1982G>A (NM_032608.6); short protein forms W661*.
Identifiers: ClinVar variation 2150335 (VCV002150335.2), dbSNP rs372939044, ClinGen allele CA10160022.